The following is an entry in ClinVar:

ClinVar aggregate classification (germline): Uncertain significance. Review status: criteria provided, multiple submitters, no conflicts (2 of 4 stars). 5 submissions from 5 submitters: Uncertain significance (5). Last evaluated 2025-10-14.

Conditions:
TTN-related disorder. Also called: TTN-related condition; TTN-related disease; TTN-related disorders.
Dilated cardiomyopathy 1G (CMD1G). Identifiers: Orphanet 154, MedGen C1858763, MONDO:0011400, OMIM 604145.
Autosomal recessive limb-girdle muscular dystrophy type 2J (LGMDR10). Also called: Limb-girdle muscular dystrophy, type 2J; MUSCULAR DYSTROPHY, LIMB-GIRDLE, AUTOSOMAL RECESSIVE 10. Identifiers: Orphanet 140922, MedGen C1837342, MONDO:0012127, OMIM 608807.
Tibial muscular dystrophy (TMD). Also called: Udd Distal Myopathy – Tibial Muscular Dystrophy; UDD MYOPATHY; Tibial muscular dystrophy, tardive. Identifiers: Orphanet 609, MedGen C1838244, MONDO:0010870, OMIM 600334.
Myopathy, myofibrillar, 9, with early respiratory failure (MFM9). Also called: Hereditary myopathy with early respiratory failure; EDSTROM MYOPATHY; MYOPATHY, PROXIMAL, WITH EARLY RESPIRATORY MUSCLE INVOLVEMENT; Myopathy, distal, with early respiratory failure, autosomal dominant. Identifiers: Orphanet 178464, Orphanet 34521, MedGen C1863599, MONDO:0011362, OMIM 603689.
Hypertrophic cardiomyopathy 9. Also called: Familial hypertrophic cardiomyopathy 9. Identifiers: MedGen C1861065, MONDO:0013412, OMIM 613765.
Early-onset myopathy with fatal cardiomyopathy (CMYO5). Also called: CONGENITAL MYOPATHY 5 WITH CARDIOMYOPATHY; Salih Myopathy. Identifiers: Orphanet 289377, MedGen C2673677, MONDO:0012714, OMIM 611705. Disease mechanism: loss of function.

Allele frequency attached by ClinVar (database versions not stated): gnomAD exomes below 0.00001; ExAC 0.00001; gnomAD 0.00001; TOPMed 0.00002.
gnomAD v4.1: 7 of 1,612,842 alleles (0.00043%); highest among the groups gnomAD compares: Non-Finnish European, 0.00059%; no homozygotes.

Submissions (5):

PreventionGenetics, part of Exact Sciences
Classification: Uncertain significance for TTN-related condition. Last evaluated: 2025-10-14. Review status: criteria provided, single submitter. Criteria: ACMG Guidelines, 2015. Collection method: clinical testing. Allele origin: germline.
Comment: The TTN c.57262G>T variant is predicted to result in the amino acid substitution p.Val19088Phe. To our knowledge, this variant has not been reported in the literature. This variant is reported in 0.00089% of alleles in individuals of European (Non-Finnish) descent in gnomAD. At this time, the clinical significance of this variant is uncertain due to the absence of conclusive functional and genetic evidence.

Labcorp Genetics (formerly Invitae), Labcorp
Classification: Uncertain significance for Dilated cardiomyopathy 1G; Autosomal recessive limb-girdle muscular dystrophy type 2J. Last evaluated: 2025-10-02. Review status: criteria provided, single submitter. Criteria: Invitae Variant Classification Sherloc (09022015). Collection method: clinical testing. Allele origin: germline.
Comment: This sequence change replaces valine with phenylalanine at codon 19088 of the TTN protein (p.Val19088Phe). There is a small physicochemical difference between valine and phenylalanine. This variant also falls at the last nucleotide of exon 293, which is part of the consensus splice site for this exon. This variant is present in population databases (rs727505347, gnomAD 0.0009%). This variant has not been reported in the literature in individuals affected with TTN-related conditions. ClinVar contains an entry for this variant (Variation ID: 180098). Experimental studies and prediction algorithms are not available or were not evaluated, and the functional significance of this variant is currently unknown. Variants that disrupt the consensus splice site are a relatively common cause of aberrant splicing (PMID: 17576681, 9536098). Algorithms developed to predict the effect of sequence changes on RNA splicing suggest that this variant may disrupt the consensus splice site. This variant is located in the A band of TTN (PMID: 25589632). Variants in this region may be relevant for cardiac or neuromuscular disorders (PMID: 25589632, 23975875). In summary, the available evidence is currently insufficient to determine the role of this variant in disease. Therefore, it has been classified as a Variant of Uncertain Significance.

Fulgent Genetics
Classification: Uncertain significance for Tibial muscular dystrophy; Myopathy, myofibrillar, 9, with early respiratory failure; Dilated cardiomyopathy 1G; Autosomal recessive limb-girdle muscular dystrophy type 2J; Early-onset myopathy with fatal cardiomyopathy; Hypertrophic cardiomyopathy 9. Last evaluated: 2021-09-20. Review status: criteria provided, single submitter. Criteria: ACMG Guidelines, 2015. Collection method: clinical testing. Allele origin: unknown.

Laboratory for Molecular Medicine, Mass General Brigham Personalized Medicine
Classification: Uncertain significance. Last evaluated: 2014-11-24. Review status: criteria provided, single submitter. Criteria: LMM Criteria. Collection method: clinical testing. Allele origin: germline. Observed: 1 variant allele.
Comment: The p.Val16520Phe variant in TTN has not been previously reported in individuals with cardiomyopathy and was absent from large population studies. This variant is located in the last three bases of the exon, which is part of the 5? splice r egion. Computational tools suggest an impact to splicing; however, this informat ion is not predictive enough to determine pathogenicity. In summary, the clinica l significance of the p.Val16520Phe variant is uncertain.

GeneDx
Classification: Uncertain significance. Last evaluated: 2013-05-09. Review status: criteria provided, single submitter. Criteria: GeneDx Variant Classification (06012015). Collection method: clinical testing. Allele origin: germline. Affected: yes.
Comment: Missense variants in the TTN gene are considered 'unclassified' if they are not previously reported in the literature and do not have >1% frequency in the population to be considered a polymorphism. Research indicates that truncating mutations in the TTN gene are expected to account for approximately 25% of familial and 18% of sporadic idiopathic DCM; however, truncating variants in the TTN gene have been reported in approximately 3% of reported control alleles. There has been little investigation into non-truncating variants. (Herman D et al. Truncations of titin causing dilated cardiomyopathy. N Eng J Med 366:619-628, 2012) The variant is found in DCM panel(s).

Literature cited by the submitters: PubMed 17576681 (cited by Labcorp Genetics (formerly Invitae), Labcorp); PubMed 9536098 (cited by Labcorp Genetics (formerly Invitae), Labcorp); PubMed 25589632 (cited by Labcorp Genetics (formerly Invitae), Labcorp); PubMed 23975875 (cited by Labcorp Genetics (formerly Invitae), Labcorp).

NM_001267550.2(TTN):c.57262G>T (p.Val19088Phe)

Genes: TTN (titin; minus strand), TTN-AS1 (TTN antisense RNA 1; plus strand). Cytogenetic location: 2q31.2.
Variant type: single nucleotide variant.
Coding change: c.57262G>T on transcript NM_001267550.2 (MANE Select); coding-DNA position 57262, G replaced by T.
Protein change: p.Val19088Phe; replaces valine 19088 with phenylalanine.
Molecular consequence: missense variant.
Genome position (GRCh38, 1-based): chr2:178,597,908, C>A on the plus strand (G>T on the coding strand, the complement: TTN is on the minus strand). VCF-style: chr2-178597908-C-A. GRCh37 (hg19) VCF-style: chr2-179462635-C-A.
Other names: p.V17447F:GTT>TTT; c.52339G>T, p.Val17447Phe (NM_001256850.1); c.49558G>T, p.Val16520Phe (NM_133378.4); c.30067G>T, p.Val10023Phe (NM_003319.4); c.30442G>T, p.Val10148Phe (NM_133432.3); c.30643G>T, p.Val10215Phe (NM_133437.4); short protein forms V16520F, V19088F, V17447F, V10023F, V10215F, V10148F.
Identifiers: ClinVar variation 180098 (VCV000180098.11), dbSNP rs727505347, ClinGen allele CA185805.